The following is an entry in ClinVar:

ClinVar aggregate classification (germline): Conflicting classifications of pathogenicity. Review status: criteria provided, conflicting classifications (1 of 4 stars). 3 submissions from 3 submitters: Uncertain significance (1); Likely benign (1). 1 of the submissions does not count toward it. Last evaluated 2025-09-29.

Conditions:
Congenital microvillous atrophy (DIAR2). Also called: CONGENITAL FAMILIAL PROTRACTED DIARRHEA WITH ENTEROCYTE BRUSH-BORDER ABNORMALITIES; DAVIDSON DISEASE; MICROVILLUS ATROPHY, CONGENITAL; Microvillus inclusion disease; Diarrhea 2 with microvillus atrophy, with or without cholestasis. Identifiers: Orphanet 2290, MedGen C0341306, MONDO:0009635, OMIM 251850.
MYO5B-related disorder. Also called: MYO5B-related condition.

Allele frequency attached by ClinVar (database versions not stated): gnomAD exomes 0.00002 and 0.00004; ExAC 0.00005; gnomAD 0.00013 and 0.00014; TOPMed 0.00014; ESP Exome Variant Server 0.00024; 1000 Genomes Project 0.00040; 1000 Genomes Project 30x 0.00047.
gnomAD v4.1: 45 of 1,614,036 alleles (0.0028%); highest among the groups gnomAD compares: African/African-American, 0.055%; no homozygotes.

Submissions (3):

Labcorp Genetics (formerly Invitae), Labcorp
Classification: Likely benign. Last evaluated: 2025-09-29. Review status: criteria provided, single submitter. Criteria: Invitae Variant Classification Sherloc (09022015). Collection method: clinical testing. Allele origin: germline.

Illumina Laboratory Services, Illumina
Classification: Uncertain significance for Congenital microvillous atrophy. Last evaluated: 2018-01-13. Review status: criteria provided, single submitter. Criteria: ICSL Variant Classification Criteria 13 December 2019. Collection method: clinical testing. Allele origin: germline.

PreventionGenetics, part of Exact Sciences
Classification: Likely benign for MYO5B-related condition. Last evaluated: 2024-07-03. Review status: no assertion criteria provided. Collection method: clinical testing. Allele origin: germline. Not counted in ClinVar's aggregate classification.
Comment: This variant is classified as likely benign based on ACMG/AMP sequence variant interpretation guidelines (Richards et al. 2015 PMID: 25741868, with internal and published modifications).

NM_001080467.3(MYO5B):c.891G>A (p.Glu297=)

Gene: MYO5B (myosin VB; minus strand). Cytogenetic location: 18q21.1.
Variant type: single nucleotide variant.
Coding change: c.891G>A on transcript NM_001080467.3 (MANE Select); coding-DNA position 891, G replaced by A.
Protein change: p.Glu297=; no amino-acid change (glutamic acid 297 retained).
Molecular consequence: synonymous variant.
Genome position (GRCh38, 1-based): chr18:49,984,773, C>T on the plus strand (G>A on the coding strand, the complement: MYO5B is on the minus strand). VCF-style: chr18-49984773-C-T. GRCh37 (hg19) VCF-style: chr18-47511143-C-T.
Identifiers: ClinVar variation 891653 (VCV000891653.13), dbSNP rs372125377, ClinGen allele CA8961729.
Genomic context (GRCh38, chr18:49,984,773, plus strand): 5'-CTTACCGAGGAGTGTGAAGGCTTGTCGAGTCTTCTCAAAGTCCTCAGCATCGTCCACACC[C>T]TCGATGGAAGTGTCTCCTCCCTGTGATGTATAGAAAAAGTCCTCTGCACTTGCTGTGGGA-3'
Protein context (NP_001073936.1, residues 287-307): YTSQGGDTSI[Glu297=]GVDDAEDFEK